The following is an entry in ClinVar:

NM_005896.4(IDH1):c.176A>C (p.Asp59Ala)

Gene: IDH1 (isocitrate dehydrogenase (NADP(+)) 1; minus strand). Cytogenetic location: 2q34.
Variant type: single nucleotide variant.
Coding change: c.176A>C on transcript NM_005896.4 (MANE Select); coding-DNA position 176, A replaced by C.
Protein change: p.Asp59Ala; replaces aspartic acid 59 with alanine.
Molecular consequence: missense variant.
Genome position (GRCh38, 1-based): chr2:208,248,607, T>G on the plus strand (A>C on the coding strand, the complement: IDH1 is on the minus strand). VCF-style: chr2-208248607-T-G. GRCh37 (hg19) VCF-style: chr2-209113331-T-G.
Other names: c.176A>C, p.Asp59Ala (NM_001282386.1, NM_001282387.1); short protein forms D59A.
Identifiers: ClinVar variation 3527521 (VCV003527521.1).

ClinVar aggregate classification (germline): Uncertain significance (1 of 4 stars; one submission).

Submission:

Ambry Genetics
Classification: Uncertain significance. Last evaluated: 2024-11-15. Review status: criteria provided, single submitter. Criteria: Ambry Variant Classification Scheme 2023. Collection method: clinical testing. Allele origin: germline.
Comment: The p.D59A variant (also known as c.176A>C), located in coding exon 2 of the IDH1 gene, results from an A to C substitution at nucleotide position 176. The aspartic acid at codon 59 is replaced by alanine, an amino acid with dissimilar properties. This amino acid position is conserved. In addition, the in silico prediction for this alteration is inconclusive. Based on the available evidence, the clinical significance of this variant remains unclear.